The following is an entry in ClinVar:

ClinVar aggregate classification (germline): Likely benign. Review status: criteria provided, multiple submitters, no conflicts (2 of 4 stars). 3 submissions from 3 submitters: Likely benign (3). Last evaluated 2025-12-23.

Conditions:
Early-infantile DEE. Also called: Ohtahara syndrome; Early infantile epileptic encephalopathy with suppression bursts; Early infantile epileptic encephalopathy. Identifiers: Orphanet 1934, MedGen C0393706, MONDO:0800491.
Inborn genetic diseases. Identifiers: MedGen C0950123, MeSH D030342.

Allele frequency attached by ClinVar (database versions not stated): gnomAD exomes 0.00001; gnomAD 0.00002; TOPMed 0.00002.

Submissions (3):

Labcorp Genetics (formerly Invitae), Labcorp
Classification: Likely benign for Early-infantile DEE. Last evaluated: 2025-12-23. Review status: criteria provided, single submitter. Criteria: Invitae Variant Classification Sherloc (09022015). Collection method: clinical testing. Allele origin: germline.

Ambry Genetics
Classification: Likely benign for Inborn genetic diseases. Last evaluated: 2018-04-09. Review status: criteria provided, single submitter. Criteria: Ambry Variant Classification Scheme 2023. Collection method: clinical testing. Allele origin: germline.

GeneDx
Classification: Likely benign. Last evaluated: 2015-10-06. Review status: criteria provided, single submitter. Criteria: GeneDx Variant Classification (06012015). Collection method: clinical testing. Allele origin: germline. Affected: yes.
Comment: This variant is considered likely benign or benign based on one or more of the following criteria: it is a conservative change, it occurs at a poorly conserved position in the protein, it is predicted to be benign by multiple in silico algorithms, and/or has population frequency not consistent with disease.

NM_001191061.2(SLC25A22):c.54C>T (p.Ala18=)

Gene: SLC25A22 (solute carrier family 25 member 22; minus strand). Cytogenetic location: 11p15.5.
Variant type: single nucleotide variant.
Coding change: c.54C>T on transcript NM_001191061.2 (MANE Select); coding-DNA position 54, C replaced by T.
Protein change: p.Ala18=; no amino-acid change (alanine 18 retained).
Molecular consequence: synonymous variant.
Genome position (GRCh38, 1-based): chr11:794,868, G>A on the plus strand (C>T on the coding strand, the complement: SLC25A22 is on the minus strand). VCF-style: chr11-794868-G-A. GRCh37 (hg19) VCF-style: chr11-794868-G-A.
Other names: c.54C>T, p.Ala18= (NM_001191060.2, NM_024698.6).
Identifiers: ClinVar variation 380808 (VCV000380808.11), dbSNP rs950168213, ClinGen allele CA16606349.